The following is an entry in ClinVar:

ClinVar aggregate classification (germline): Uncertain significance (1 of 4 stars; one submission).

Conditions:
Neurofibromatosis, type 2 (SWNV). Also called: NF2-Related Schwannomatosis; BILATERAL ACOUSTIC NEUROFIBROMATOSIS; SCHWANNOMATOSIS, VESTIBULAR. Identifiers: Orphanet 637, MedGen C0027832, MONDO:0007039, OMIM 101000. Disease mechanism: loss of function.

Submission:

Labcorp Genetics (formerly Invitae), Labcorp
Classification: Uncertain significance for Neurofibromatosis, type 2. Last evaluated: 2022-03-29. Review status: criteria provided, single submitter. Criteria: Invitae Variant Classification Sherloc (09022015). Collection method: clinical testing. Allele origin: germline.
Comment: In summary, the available evidence is currently insufficient to determine the role of this variant in disease. Therefore, it has been classified as a Variant of Uncertain Significance. Algorithms developed to predict the effect of missense changes on protein structure and function are either unavailable or do not agree on the potential impact of this missense change (SIFT: "Deleterious"; PolyPhen-2: "Probably Damaging"; Align-GVGD: "Class C0"). This variant has not been reported in the literature in individuals affected with NF2-related conditions. This variant is not present in population databases (gnomAD no frequency). This sequence change replaces glutamic acid, which is acidic and polar, with lysine, which is basic and polar, at codon 545 of the NF2 protein (p.Glu545Lys).

NM_000268.4(NF2):c.1633G>A (p.Glu545Lys)

Gene: NF2 (NF2, moesin-ezrin-radixin like (MERLIN) tumor suppressor; plus strand). Cytogenetic location: 22q12.2.
Variant type: single nucleotide variant.
Coding change: c.1633G>A on transcript NM_000268.4 (MANE Select); coding-DNA position 1633, G replaced by A.
Protein change: p.Glu545Lys; replaces glutamic acid 545 with lysine.
Molecular consequence: missense variant. On other transcripts: non-coding transcript variant (1), intron variant (1).
Genome position (GRCh38, 1-based): chr22:29,681,497, G>A. VCF-style: chr22-29681497-G-A. GRCh37 (hg19) VCF-style: chr22-30077486-G-A.
Other names: c.1519G>A, p.Glu507Lys (NM_001407053.1, NM_001407056.1); c.1510G>A, p.Glu504Lys (NM_001407054.1, NM_001407058.1, NM_181829.3); c.1507G>A, p.Glu503Lys (NM_001407055.1, NM_181828.3); c.1498G>A, p.Glu500Lys (NM_001407057.1, NM_001407059.1); c.1375G>A, p.Glu459Lys (NM_001407062.1); c.1384G>A, p.Glu462Lys (NM_001407063.1, NM_181830.3, NM_181831.3); c.1099G>A, p.Glu367Lys (NM_001407065.1); c.1633G>A, p.Glu545Lys (NM_001407066.1, NM_016418.5, NM_181825.3 and 1 more transcripts); and 2 more; short protein forms E462K, E545K, E459K, E500K, E507K, E503K, E367K, E468K.
Identifiers: ClinVar variation 2119184 (VCV002119184.4), dbSNP rs768422432, ClinGen allele CA411150118.
Genomic context (GRCh38, chr22:29,681,497, plus strand): 5'-AGAGTGGAATACATGGAAAAGAGCAAGCATCTGCAGGAGCAGCTCAATGAACTCAAGACA[G>A]AAATCGAGGCCTTGAAACTGAAAGAGAGGGAGACAGCTCTGGATATTCTGCACAATGAGA-3'
Protein context (NP_000259.1, residues 535-555): LQEQLNELKT[Glu545Lys]IEALKLKERE